The following is an entry in ClinVar:

ClinVar aggregate classification (germline): Uncertain significance. Review status: criteria provided, multiple submitters, no conflicts (2 of 4 stars). 2 submissions from 2 submitters: Uncertain significance (2). Last evaluated 2025-06-10.

Conditions:
Cardiovascular phenotype. Identifiers: MedGen CN230736.

Allele frequency attached by ClinVar (database versions not stated): gnomAD 0.00001; gnomAD exomes 0.00001; TOPMed 0.00002.
gnomAD v4.1: 14 of 1,612,500 alleles (0.00087%); highest among the groups gnomAD compares: African/African-American, 0.0013%; no homozygotes.

Submissions (2):

Ambry Genetics
Classification: Uncertain significance for Cardiovascular phenotype. Last evaluated: 2025-06-10. Review status: criteria provided, single submitter. Criteria: Ambry Variant Classification Scheme 2023. Collection method: clinical testing. Allele origin: germline.
Comment: The p.G2099E variant (also known as c.6296G>A), located in coding exon 17 of the TNXB gene, results from a G to A substitution at nucleotide position 6296. The glycine at codon 2099 is replaced by glutamic acid, an amino acid with similar properties. This amino acid position is highly conserved in available vertebrate species. In addition, this alteration is predicted to be tolerated by in silico analysis. Since supporting evidence is limited at this time, the clinical significance of this alteration remains unclear.

GeneDx
Classification: Uncertain significance. Last evaluated: 2025-06-10. Review status: criteria provided, single submitter. Criteria: GeneDx Variant Classification Process June 2021. Collection method: clinical testing. Allele origin: germline. Affected: yes.
Comment: Not observed at significant frequency in large population cohorts (gnomAD); In silico analysis supports that this missense variant has a deleterious effect on protein structure/function; Has not been previously published as pathogenic or benign to our knowledge

NM_001365276.2(TNXB):c.6296G>A (p.Gly2099Glu)

Gene: TNXB (tenascin XB; minus strand). Cytogenetic location: 6p21.33.
Variant type: single nucleotide variant.
Coding change: c.6296G>A on transcript NM_001365276.2 (MANE Select); coding-DNA position 6296, G replaced by A.
Protein change: p.Gly2099Glu; replaces glycine 2099 with glutamic acid.
Molecular consequence: missense variant.
Genome position (GRCh38, 1-based): chr6:32,067,909, C>T on the plus strand (G>A on the coding strand, the complement: TNXB is on the minus strand). VCF-style: chr6-32067909-C-T. GRCh37 (hg19) VCF-style: chr6-32035686-C-T.
Other names: c.6296G>A, p.Gly2099Glu (NM_019105.8); short protein forms G2099E.
Identifiers: ClinVar variation 1752675 (VCV001752675.5), dbSNP rs1192421600, ClinGen allele CA363400740.